The following is an entry in ClinVar:

NM_014476.6(PDLIM3):c.512C>G (p.Ala171Gly)

Gene: PDLIM3 (PDZ and LIM domain 3; minus strand). Cytogenetic location: 4q35.1.
Variant type: single nucleotide variant.
Coding change: c.512C>G on transcript NM_014476.6 (MANE Select); coding-DNA position 512, C replaced by G.
Protein change: p.Ala171Gly; replaces alanine 171 with glycine.
Molecular consequence: missense variant. On other transcripts: intron variant (3).
Genome position (GRCh38, 1-based): chr4:185,508,449, G>C on the plus strand (C>G on the coding strand, the complement: PDLIM3 is on the minus strand). VCF-style: chr4-185508449-G-C. GRCh37 (hg19) VCF-style: chr4-186429603-G-C.
Other names: c.162-1797C>G (NM_001257963.2); c.399-1797C>G (NM_001257962.2); c.519-1797C>G (NM_001114107.5); short protein forms A171G.
Identifiers: ClinVar variation 1398057 (VCV001398057.6), dbSNP rs1580239536, ClinGen allele CA358924005.

ClinVar aggregate classification (germline): Uncertain significance (1 of 4 stars; one submission).

Conditions:
Hypertrophic cardiomyopathy. Also called: HYPERTROPHIC MYOCARDIOPATHY. Identifiers: Orphanet 217569, MedGen C0007194, MeSH D002312, MONDO:0005045, HP:0001639.
Primary dilated cardiomyopathy (DCM). Also called: Dilated Cardiomyopathy. Identifiers: Orphanet 217604, MedGen C0007193, MeSH D002311, MONDO:0005021, HP:0001644. Inheritance: Various modes of inheritance.

Submission:

Labcorp Genetics (formerly Invitae), Labcorp
Classification: Uncertain significance for Hypertrophic cardiomyopathy; Primary dilated cardiomyopathy. Last evaluated: 2021-11-29. Review status: criteria provided, single submitter. Criteria: Invitae Variant Classification Sherloc (09022015). Collection method: clinical testing. Allele origin: germline.
Comment: This variant has not been reported in the literature in individuals affected with PDLIM3-related conditions. This variant is not present in population databases (gnomAD no frequency). This sequence change replaces alanine, which is neutral and non-polar, with glycine, which is neutral and non-polar, at codon 171 of the PDLIM3 protein (p.Ala171Gly). Algorithms developed to predict the effect of missense changes on protein structure and function are either unavailable or do not agree on the potential impact of this missense change (SIFT: "Deleterious"; PolyPhen-2: "Probably Damaging"; Align-GVGD: "Class C0"). In summary, the available evidence is currently insufficient to determine the role of this variant in disease. Therefore, it has been classified as a Variant of Uncertain Significance.